The following is an entry in ClinVar:

NM_001022.4(RPS19):c.64C>T (p.Leu22Phe)

Genes: RPS19 (ribosomal protein S19; plus strand), RPS19-CD79A (RPS19-CD79A readthrough; plus strand). Cytogenetic location: 19q13.2.
Variant type: single nucleotide variant.
Coding change: c.64C>T on transcript NM_001022.4 (MANE Select); coding-DNA position 64, C replaced by T.
Protein change: p.Leu22Phe; replaces leucine 22 with phenylalanine.
Molecular consequence: missense variant.
Genome position (GRCh38, 1-based): chr19:41,860,838, C>T. VCF-style: chr19-41860838-C-T. GRCh37 (hg19) VCF-style: chr19-42364908-C-T.
Other names: c.64C>T, p.Leu22Phe (NM_001321483.2, NM_001321484.2, NM_001321485.2); short protein forms L22F.
Identifiers: ClinVar variation 2730442 (VCV002730442.4), dbSNP rs2074021648, ClinGen allele CA406046400.
Genomic context (GRCh38, chr19:41,860,838, plus strand): 5'-CCTGGAGTTACTGTAAAAGACGTGAACCAGCAGGAGTTCGTCAGAGCTCTGGCAGCCTTC[C>T]TCAAAAAGTGAGTTTGGGGACTGAGGTTCAAAACGGGTGGAGGCTGTCGCCTTGGCCTGC-3'
Protein context (NP_001013.1, residues 12-32): QEFVRALAAF[Leu22Phe]KKSGKLKVPE

ClinVar aggregate classification (germline): Uncertain significance. Review status: criteria provided, multiple submitters, no conflicts (2 of 4 stars). 2 submissions from 2 submitters: Uncertain significance (2). Last evaluated 2024-01-16.

Conditions:
Diamond-Blackfan anemia. Also called: Blackfan Diamond syndrome; Aregenerative anemia chronic congenital; Red cell aplasia, pure hereditary; Congenital hypoplastic anemia; Aase syndrome. Identifiers: Orphanet 124, MedGen C1260899, MeSH D029503, MONDO:0015253, HP:0004810.
Diamond-Blackfan anemia 1 (DBA1). Also called: RPS19-Related Diamond-Blackfan Anemia; BLACKFAN-DIAMOND SYNDROME; ANEMIA, CONGENITAL HYPOPLASTIC, OF BLACKFAN AND DIAMOND; ANEMIA, CONGENITAL ERYTHROID HYPOPLASTIC; RED CELL APLASIA, PURE, HEREDITARY; AREGENERATIVE ANEMIA, CHRONIC CONGENITAL. Identifiers: Orphanet 124, MedGen C2676137, MONDO:0007110, OMIM 105650.

Allele frequency attached by ClinVar (database versions not stated): gnomAD exomes below 0.00001; gnomAD 0.00001.
gnomAD v4.1: 2 of 1,613,404 alleles (0.00012%); highest among the groups gnomAD compares: African/African-American, 0.0027%; no homozygotes.

Submissions (2):

Fulgent Genetics
Classification: Uncertain significance for Diamond-Blackfan anemia 1. Last evaluated: 2024-01-16. Review status: criteria provided, single submitter. Criteria: ACMG Guidelines, 2015. Collection method: clinical testing. Allele origin: germline.

Labcorp Genetics (formerly Invitae), Labcorp
Classification: Uncertain significance for Diamond-Blackfan anemia. Last evaluated: 2023-06-16. Review status: criteria provided, single submitter. Criteria: Invitae Variant Classification Sherloc (09022015). Collection method: clinical testing. Allele origin: germline.
Comment: An algorithm developed to predict the effect of missense changes on protein structure and function (PolyPhen-2) suggests that this variant is likely to be disruptive. This variant has not been reported in the literature in individuals affected with RPS19-related conditions. This variant is not present in population databases (gnomAD no frequency). This sequence change replaces leucine, which is neutral and non-polar, with phenylalanine, which is neutral and non-polar, at codon 22 of the RPS19 protein (p.Leu22Phe). In summary, the available evidence is currently insufficient to determine the role of this variant in disease. Therefore, it has been classified as a Variant of Uncertain Significance.